The following is an entry in ClinVar:

ClinVar aggregate classification (germline): Uncertain significance. Review status: criteria provided, multiple submitters, no conflicts (2 of 4 stars). 2 submissions from 2 submitters: Uncertain significance (2). Last evaluated 2025-05-19.

Conditions:
Neurodevelopmental disorder with movement abnormalities, abnormal gait, and autistic features. Identifiers: MedGen C4693405, MONDO:0060642, OMIM 617865.
Inborn genetic diseases. Identifiers: MedGen C0950123, MeSH D030342.

Allele frequency attached by ClinVar (database versions not stated): gnomAD below 0.00001 and 0.00001; gnomAD exomes 0.00002 and 0.00009; ExAC 0.00009.

Submissions (2):

Ambry Genetics
Classification: Uncertain significance for Inborn genetic diseases. Last evaluated: 2025-05-19. Review status: criteria provided, single submitter. Criteria: Ambry Variant Classification Scheme 2023. Collection method: clinical testing. Allele origin: germline.

Foundation for Research in Genetics and Endocrinology, FRIGE's Institute of Human Genetics
Classification: Uncertain significance for Neurodevelopmental disorder with movement abnormalities, abnormal gait, and autistic features. Last evaluated: 2019-11-14. Review status: criteria provided, single submitter. Criteria: ACMG Guidelines, 2015. Collection method: clinical testing. Allele origin: de novo. Inheritance: Autosomal dominant inheritance. Affected: yes. Observed: 1 heterozygote.
Comment: A heterozygous missense variation in exon 1 of the ZSWIM6 gene that results in the amino acid substitution of Valine for Glycine at codon 136 was detected. The observed variant has not been reported in the 1000 genomes and has a minor allele frequency of 0.009% in the ExAC database. The in silico prediction of the variant is damaging by MutationTaster2. The reference codon is not conserved across species. In summary, Gly136Val variant meets our criteria to be classified as a variant of uncertain significance.

NM_020928.2(ZSWIM6):c.407G>T (p.Gly136Val)

Gene: ZSWIM6 (zinc finger SWIM-type containing 6; plus strand). Cytogenetic location: 5q12.1.
Variant type: single nucleotide variant.
Coding change: c.407G>T on transcript NM_020928.2 (MANE Select); coding-DNA position 407, G replaced by T.
Protein change: p.Gly136Val; replaces glycine 136 with valine.
Molecular consequence: missense variant.
Genome position (GRCh38, 1-based): chr5:61,332,679, G>T. VCF-style: chr5-61332679-G-T. GRCh37 (hg19) VCF-style: chr5-60628506-G-T.
Other names: c.407G>T (NM_020928.1); short protein forms G136V.
Identifiers: ClinVar variation 810782 (VCV000810782.4), dbSNP rs754658198, ClinGen allele CA3278300.